The following is an entry in ClinVar:

ClinVar aggregate classification (germline): Uncertain significance (1 of 4 stars; one submission).

Conditions:
Leigh syndrome (NULS). Also called: Leigh's syndrome; LEIGH SYNDROME, NUCLEAR; Leigh's necrotizing encephalopathy; Leigh's disease; Leigh Syndrome (mtDNA deletion); Leigh Disease. Identifiers: Orphanet 506, MedGen C2931891, MONDO:0009723, OMIM 256000.

Allele frequency attached by ClinVar (database versions not stated): gnomAD 0.00001; TOPMed 0.00003.
gnomAD v4.1: 4 of 1,613,836 alleles (0.00025%); highest among the groups gnomAD compares: African/African-American, 0.0053%; no homozygotes.

Submission:

Labcorp Genetics (formerly Invitae), Labcorp
Classification: Uncertain significance for Leigh syndrome. Last evaluated: 2021-08-14. Review status: criteria provided, single submitter. Criteria: Invitae Variant Classification Sherloc (09022015). Collection method: clinical testing. Allele origin: germline.
Comment: This sequence change replaces tryptophan with glycine at codon 289 of the SURF1 protein (p.Trp289Gly). The tryptophan residue is highly conserved and there is a large physicochemical difference between tryptophan and glycine. This variant is present in population databases (rs373591762, ExAC 0.01%). This variant has not been reported in the literature in individuals affected with SURF1-related conditions. Algorithms developed to predict the effect of missense changes on protein structure and function are either unavailable or do not agree on the potential impact of this missense change (SIFT: "Deleterious"; PolyPhen-2: "Probably Damaging"; Align-GVGD: "Class C0"). In summary, the available evidence is currently insufficient to determine the role of this variant in disease. Therefore, it has been classified as a Variant of Uncertain Significance.

NM_003172.4(SURF1):c.865T>G (p.Trp289Gly)

Gene: SURF1 (SURF1 cytochrome c oxidase assembly factor; minus strand). Cytogenetic location: 9q34.2.
Variant type: single nucleotide variant.
Coding change: c.865T>G on transcript NM_003172.4 (MANE Select); coding-DNA position 865, T replaced by G.
Protein change: p.Trp289Gly; replaces tryptophan 289 with glycine.
Molecular consequence: missense variant.
Genome position (GRCh38, 1-based): chr9:133,351,951, A>C on the plus strand (T>G on the coding strand, the complement: SURF1 is on the minus strand). VCF-style: chr9-133351951-A-C. GRCh37 (hg19) VCF-style: chr9-136218806-A-C.
Other names: c.538T>G, p.Trp180Gly (NM_001280787.1); short protein forms W289G, W180G.
Identifiers: ClinVar variation 1415924 (VCV001415924.5), dbSNP rs373591762, ClinGen allele CA200831900.